The following is an entry in ClinVar:

ClinVar aggregate classification (germline): Uncertain significance (1 of 4 stars; one submission).

gnomAD v4.1: 1 of 1,559,400 alleles (0.000064%); highest among the groups gnomAD compares: Non-Finnish European, 0.000087%; no homozygotes.

Submission:

Labcorp Genetics (formerly Invitae), Labcorp
Classification: Uncertain significance. Last evaluated: 2024-04-10. Review status: criteria provided, single submitter. Criteria: Invitae Variant Classification Sherloc (09022015). Collection method: clinical testing. Allele origin: germline.
Comment: This sequence change replaces arginine, which is basic and polar, with glycine, which is neutral and non-polar, at codon 870 of the CACNA2D4 protein (p.Arg870Gly). This variant is not present in population databases (gnomAD no frequency). This variant has not been reported in the literature in individuals affected with CACNA2D4-related conditions. An algorithm developed to predict the effect of missense changes on protein structure and function (PolyPhen-2) suggests that this variant is likely to be tolerated. In summary, the available evidence is currently insufficient to determine the role of this variant in disease. Therefore, it has been classified as a Variant of Uncertain Significance.

NM_172364.5(CACNA2D4):c.2608C>G (p.Arg870Gly)

Gene: CACNA2D4 (calcium voltage-gated channel auxiliary subunit alpha2delta 4; minus strand). Cytogenetic location: 12p13.33.
Variant type: single nucleotide variant.
Coding change: c.2608C>G on transcript NM_172364.5 (MANE Select); coding-DNA position 2608, C replaced by G.
Protein change: p.Arg870Gly; replaces arginine 870 with glycine.
Molecular consequence: missense variant.
Genome position (GRCh38, 1-based): chr12:1,811,667, G>C on the plus strand (C>G on the coding strand, the complement: CACNA2D4 is on the minus strand). VCF-style: chr12-1811667-G-C. GRCh37 (hg19) VCF-style: chr12-1920833-G-C.
Other names: short protein forms R870G.
Identifiers: ClinVar variation 3649523 (VCV003649523.2).